The following is an entry in ClinVar:

NM_033026.6(PCLO):c.6836C>T (p.Pro2279Leu)

Gene: PCLO (piccolo presynaptic cytomatrix protein; minus strand). Cytogenetic location: 7q21.11.
Variant type: single nucleotide variant.
Coding change: c.6836C>T on transcript NM_033026.6 (MANE Select); coding-DNA position 6836, C replaced by T.
Protein change: p.Pro2279Leu; replaces proline 2279 with leucine.
Molecular consequence: missense variant.
Genome position (GRCh38, 1-based): chr7:82,954,117, G>A on the plus strand (C>T on the coding strand, the complement: PCLO is on the minus strand). VCF-style: chr7-82954117-G-A. GRCh37 (hg19) VCF-style: chr7-82583433-G-A.
Other names: c.6836C>T, p.Pro2279Leu (NM_014510.3); short protein forms P2279L.
Identifiers: ClinVar variation 1401415 (VCV001401415.4), dbSNP rs368548484, ClinGen allele CA4320400.

ClinVar aggregate classification (germline): Uncertain significance (1 of 4 stars; one submission).

Allele frequency attached by ClinVar (database versions not stated): ESP Exome Variant Server 0.00008; gnomAD exomes 0.00012 and 0.00021; ExAC 0.00014; gnomAD 0.00014; TOPMed 0.00015.
gnomAD v4.1: 334 of 1,613,746 alleles (0.021%); highest among the groups gnomAD compares: Non-Finnish European, 0.026%; no homozygotes.

Submission:

Labcorp Genetics (formerly Invitae), Labcorp
Classification: Uncertain significance. Last evaluated: 2024-01-06. Review status: criteria provided, single submitter. Criteria: Invitae Variant Classification Sherloc (09022015). Collection method: clinical testing. Allele origin: germline.
Comment: This sequence change replaces proline, which is neutral and non-polar, with leucine, which is neutral and non-polar, at codon 2279 of the PCLO protein (p.Pro2279Leu). This variant is present in population databases (rs368548484, gnomAD 0.02%). This variant has not been reported in the literature in individuals affected with PCLO-related conditions. ClinVar contains an entry for this variant (Variation ID: 1401415). Experimental studies and prediction algorithms are not available or were not evaluated, and the functional significance of this variant is currently unknown. In summary, the available evidence is currently insufficient to determine the role of this variant in disease. Therefore, it has been classified as a Variant of Uncertain Significance.